The following is an entry in ClinVar:

ClinVar aggregate classification (germline): Uncertain significance (1 of 4 stars; one submission).

Conditions:
Hereditary cancer-predisposing syndrome. Also called: Neoplastic Syndromes, Hereditary; Tumor predisposition; Hereditary neoplastic syndrome; Hereditary Cancer Syndrome. Identifiers: Orphanet 140162, MedGen C0027672, MeSH D009386, MONDO:0015356.

Submission:

Ambry Genetics
Classification: Uncertain significance for Hereditary cancer-predisposing syndrome. Last evaluated: 2026-07-06. Review status: criteria provided, single submitter. Criteria: Ambry Variant Classification Scheme 2023. Collection method: clinical testing. Allele origin: germline.
Comment: The p.T367P variant (also known as c.1099A>C), located in coding exon 9 of the NBN gene, results from an A to C substitution at nucleotide position 1099. The threonine at codon 367 is replaced by proline, an amino acid with highly similar properties. This amino acid position is conserved. In addition, this alteration is predicted to be tolerated by in silico analysis. Based on the available evidence, the clinical significance of this variant remains unclear.

NM_002485.5(NBN):c.1099A>C (p.Thr367Pro)

Gene: NBN (nibrin; minus strand). Cytogenetic location: 8q21.3.
Variant type: single nucleotide variant.
Coding change: c.1099A>C on transcript NM_002485.5 (MANE Select); coding-DNA position 1099, A replaced by C.
Protein change: p.Thr367Pro; replaces threonine 367 with proline.
Molecular consequence: missense variant.
Genome position (GRCh38, 1-based): chr8:89,958,750, T>G on the plus strand (A>C on the coding strand, the complement: NBN is on the minus strand). VCF-style: chr8-89958750-T-G. GRCh37 (hg19) VCF-style: chr8-90970978-T-G.
Other names: c.853A>C, p.Thr285Pro (NM_001024688.3, NM_001440379.1, NM_001440380.1); short protein forms T285P, T367P.
Identifiers: ClinVar variation 5025389 (VCV005025389.1).